The following is an entry in ClinVar:

NM_001297.5(CNGB1):c.2744A>G (p.Asn915Ser)

Gene: CNGB1 (cyclic nucleotide gated channel subunit beta 1; minus strand). Cytogenetic location: 16q21.
Variant type: single nucleotide variant.
Coding change: c.2744A>G on transcript NM_001297.5 (MANE Select); coding-DNA position 2744, A replaced by G.
Protein change: p.Asn915Ser; replaces asparagine 915 with serine.
Molecular consequence: missense variant.
Genome position (GRCh38, 1-based): chr16:57,903,872, T>C on the plus strand (A>G on the coding strand, the complement: CNGB1 is on the minus strand). VCF-style: chr16-57903872-T-C. GRCh37 (hg19) VCF-style: chr16-57937776-T-C.
Other names: c.2726A>G, p.Asn909Ser (NM_001286130.2); short protein forms N915S, N909S.
Identifiers: ClinVar variation 2002414 (VCV002002414.4), dbSNP rs2544618799, ClinGen allele CA396057439.
Genomic context (GRCh38, chr16:57,903,872, plus strand): 5'-ACCATCTTACCCAGCATGCCTTGCGAGTGCCAGGTGTACTCGTACCAGGTCTTGACGCGG[T>C]TCTGCACGGACTTGGGGATCTTGTAGAAATTCATGTACTTCACCGTGCTGTCCATGCAGC-3'
Protein context (NP_001288.3, residues 905-925): NFYKIPKSVQ[Asn915Ser]RVKTWYEYTW

ClinVar aggregate classification (germline): Uncertain significance (1 of 4 stars; one submission).

Submission:

Labcorp Genetics (formerly Invitae), Labcorp
Classification: Uncertain significance. Last evaluated: 2022-06-04. Review status: criteria provided, single submitter. Criteria: Invitae Variant Classification Sherloc (09022015). Collection method: clinical testing. Allele origin: germline.
Comment: In summary, the available evidence is currently insufficient to determine the role of this variant in disease. Therefore, it has been classified as a Variant of Uncertain Significance. Advanced modeling of protein sequence and biophysical properties (such as structural, functional, and spatial information, amino acid conservation, physicochemical variation, residue mobility, and thermodynamic stability) performed at Invitae indicates that this missense variant is not expected to disrupt CNGB1 protein function. This variant has not been reported in the literature in individuals affected with CNGB1-related conditions. This variant is not present in population databases (gnomAD no frequency). This sequence change replaces asparagine, which is neutral and polar, with serine, which is neutral and polar, at codon 915 of the CNGB1 protein (p.Asn915Ser).